The following is an entry in ClinVar:

NM_138615.3(DHX30):c.1397G>T (p.Arg466Leu)

Gene: DHX30 (DExH-box helicase 30; plus strand). Cytogenetic location: 3p21.31.
Variant type: single nucleotide variant.
Coding change: c.1397G>T on transcript NM_138615.3 (MANE Select); coding-DNA position 1397, G replaced by T.
Protein change: p.Arg466Leu; replaces arginine 466 with leucine.
Molecular consequence: missense variant.
Genome position (GRCh38, 1-based): chr3:47,846,469, G>T. VCF-style: chr3-47846469-G-T. GRCh37 (hg19) VCF-style: chr3-47887959-G-T.
Other names: c.1313G>T, p.Arg438Leu (NM_001330990.2); c.1280G>T, p.Arg427Leu (NM_014966.4); short protein forms R427L, R438L, R466L.
Identifiers: ClinVar variation 3383607 (VCV003383607.1).
Genomic context (GRCh38, chr3:47,846,469, plus strand): 5'-CCATTGAGCAGCACCCGGTGGTGGTCATCTCTGGGGACACGGGCTGTGGGAAGACCACGC[G>T]CATCCCCCAGCTGTTGCTGGAGCGCTATGTGACCGAGGGCCGAGGTGCCCGCTGCAATGT-3'
Protein context (NP_619520.1, residues 456-476): SGDTGCGKTT[Arg466Leu]IPQLLLERYV

ClinVar aggregate classification (germline): Uncertain significance (1 of 4 stars; one submission).

Submission:

GeneDx
Classification: Uncertain significance. Last evaluated: 2024-05-28. Review status: criteria provided, single submitter. Criteria: GeneDx Variant Classification Process June 2021. Collection method: clinical testing. Allele origin: germline. Affected: yes.
Comment: Not observed at significant frequency in large population cohorts (gnomAD); In silico analysis supports that this missense variant has a deleterious effect on protein structure/function; Has not been previously published as pathogenic or benign to our knowledge